The following is an entry in ClinVar:

NM_005732.4(RAD50):c.2417A>G (p.Glu806Gly)

Gene: RAD50 (RAD50 double strand break repair protein; plus strand). Cytogenetic location: 5q31.1.
Variant type: single nucleotide variant.
Coding change: c.2417A>G on transcript NM_005732.4 (MANE Select); coding-DNA position 2417, A replaced by G.
Protein change: p.Glu806Gly; replaces glutamic acid 806 with glycine.
Molecular consequence: missense variant.
Genome position (GRCh38, 1-based): chr5:132,603,939, A>G. VCF-style: chr5-132603939-A-G. GRCh37 (hg19) VCF-style: chr5-131939631-A-G.
Other names: short protein forms E806G.
Identifiers: ClinVar variation 1790948 (VCV001790948.2), dbSNP rs2479666006, ClinGen allele CA360955384.

ClinVar aggregate classification (germline): Uncertain significance (1 of 4 stars; one submission).

Conditions:
Hereditary cancer-predisposing syndrome. Also called: Hereditary Cancer Syndrome; Hereditary neoplastic syndrome; Tumor predisposition; Neoplastic Syndromes, Hereditary. Identifiers: Orphanet 140162, MedGen C0027672, MeSH D009386, MONDO:0015356.

Submission:

Ambry Genetics
Classification: Uncertain significance for Hereditary cancer-predisposing syndrome. Last evaluated: 2017-11-13. Review status: criteria provided, single submitter. Criteria: Ambry Variant Classification Scheme 2023. Collection method: clinical testing. Allele origin: germline.
Comment: The p.E806G variant (also known as c.2417A>G), located in coding exon 15 of the RAD50 gene, results from an A to G substitution at nucleotide position 2417. The glutamic acid at codon 806 is replaced by glycine, an amino acid with similar properties. This amino acid position is highly conserved in available vertebrate species. In addition, this alteration is predicted to be deleterious by in silico analysis. Since supporting evidence is limited at this time, the clinical significance of this alteration remains unclear.